The following is an entry in ClinVar:

ClinVar aggregate classification (germline): Uncertain significance. Review status: criteria provided, multiple submitters, no conflicts (2 of 4 stars). 2 submissions from 2 submitters: Uncertain significance (2). Last evaluated 2026-06-09.

Conditions:
Catecholaminergic polymorphic ventricular tachycardia 1. Also called: VENTRICULAR TACHYCARDIA, STRESS-INDUCED POLYMORPHIC 1; VENTRICULAR TACHYCARDIA, CATECHOLAMINERGIC POLYMORPHIC, 1, WITH OR WITHOUT ATRIAL DYSFUNCTION AND/OR DILATED CARDIOMYOPATHY; RYR2-Related Catecholaminergic Polymorphic Ventricular Tachycardia. Identifiers: Orphanet 3286, MedGen C1631597, MONDO:0011484, OMIM 604772.
Cardiovascular phenotype. Identifiers: MedGen CN230736.

gnomAD v4.1: 4 of 1,477,452 alleles (0.00027%); highest among the groups gnomAD compares: Admixed American, 0.0022%; no homozygotes.

Submissions (2):

Ambry Genetics
Classification: Uncertain significance for Cardiovascular phenotype. Last evaluated: 2026-06-09. Review status: criteria provided, single submitter. Criteria: Ambry Variant Classification Scheme 2023. Collection method: clinical testing. Allele origin: germline.
Comment: The p.T163I variant (also known as c.488C>T), located in coding exon 6 of the TRDN gene, results from a C to T substitution at nucleotide position 488. The threonine at codon 163 is replaced by isoleucine, an amino acid with similar properties. This amino acid position is conserved. In addition, this alteration is predicted to be tolerated by in silico analysis. Based on the available evidence, the clinical significance of this variant remains unclear.

Labcorp Genetics (formerly Invitae), Labcorp
Classification: Uncertain significance for Catecholaminergic polymorphic ventricular tachycardia 1. Last evaluated: 2022-04-08. Review status: criteria provided, single submitter. Criteria: Invitae Variant Classification Sherloc (09022015). Collection method: clinical testing. Allele origin: germline.
Comment: This sequence change replaces threonine, which is neutral and polar, with isoleucine, which is neutral and non-polar, at codon 163 of the TRDN protein (p.Thr163Ile). This variant is not present in population databases (gnomAD no frequency). This variant has not been reported in the literature in individuals affected with TRDN-related conditions. Algorithms developed to predict the effect of missense changes on protein structure and function are either unavailable or do not agree on the potential impact of this missense change (SIFT: "Tolerated"; PolyPhen-2: "Not Available"; Align-GVGD: "Class C0"). In summary, the available evidence is currently insufficient to determine the role of this variant in disease. Therefore, it has been classified as a Variant of Uncertain Significance.

NM_006073.4(TRDN):c.488C>T (p.Thr163Ile)

Gene: TRDN (triadin; minus strand). Cytogenetic location: 6q22.31.
Variant type: single nucleotide variant.
Coding change: c.488C>T on transcript NM_006073.4 (MANE Select); coding-DNA position 488, C replaced by T.
Protein change: p.Thr163Ile; replaces threonine 163 with isoleucine.
Molecular consequence: missense variant.
Genome position (GRCh38, 1-based): chr6:123,516,203, G>A on the plus strand (C>T on the coding strand, the complement: TRDN is on the minus strand). VCF-style: chr6-123516203-G-A. GRCh37 (hg19) VCF-style: chr6-123837348-G-A.
Other names: c.488C>T, p.Thr163Ile (NM_001251987.2, NM_001256020.2, NM_001256021.2 and 1 more transcripts); c.488C>T (NM_006073.2); short protein forms T163I.
Identifiers: ClinVar variation 2123149 (VCV002123149.2), dbSNP rs2534347112, ClinGen allele CA365568316.